The following is an entry in ClinVar:

NM_001609.4(ACADSB):c.544G>T (p.Gly182Cys)

Gene: ACADSB (acyl-CoA dehydrogenase short/branched chain; plus strand). Cytogenetic location: 10q26.13.
Variant type: single nucleotide variant.
Coding change: c.544G>T on transcript NM_001609.4 (MANE Select); coding-DNA position 544, G replaced by T.
Protein change: p.Gly182Cys; replaces glycine 182 with cysteine.
Molecular consequence: missense variant.
Genome position (GRCh38, 1-based): chr10:123,041,242, G>T. VCF-style: chr10-123041242-G-T. GRCh37 (hg19) VCF-style: chr10-124800758-G-T.
Other names: c.238G>T, p.Gly80Cys (NM_001330174.3); short protein forms G182C, G80C.
Identifiers: ClinVar variation 299074 (VCV000299074.12), dbSNP rs886046778, ClinGen allele CA10634842.
Genomic context (GRCh38, chr10:123,041,242, plus strand): 5'-TTGGACATTTTTTTCTCCCATATGTAGGTAGGAAGTTTCTGCCTTTCAGAGGCTGGAGCA[G>T]GTAGTGACTCATTTGCTTTGAAGACCAGAGCTGATAAAGAGGGAGATTATTATGTCCTCA-3'
Protein context (NP_001600.1, residues 172-192): GSFCLSEAGA[Gly182Cys]SDSFALKTRA

ClinVar aggregate classification (germline): Uncertain significance. Review status: criteria provided, multiple submitters, no conflicts (2 of 4 stars). 2 submissions from 2 submitters: Uncertain significance (2). Last evaluated 2020-12-20.

Conditions:
Deficiency of 2-methylbutyryl-CoA dehydrogenase (ACADSB). Also called: 2-methylbutyryl-CoA dehydrogenase deficiency; SBCAD deficiency; 2-methylbutyric aciduria; Short branched-chain acyl-CoA dehydrogenase deficiency; 2-methylbutyrylglycinuria. Identifiers: Orphanet 79157, MedGen C1864912, MONDO:0012392, OMIM 610006, HP:0020147.

Submissions (2):

Labcorp Genetics (formerly Invitae), Labcorp
Classification: Uncertain significance for Deficiency of 2-methylbutyryl-CoA dehydrogenase. Last evaluated: 2020-12-20. Review status: criteria provided, single submitter. Criteria: Invitae Variant Classification Sherloc (09022015). Collection method: clinical testing. Allele origin: germline.
Comment: This variant is not present in population databases (ExAC no frequency). This sequence change replaces glycine with cysteine at codon 182 of the ACADSB protein (p.Gly182Cys). The glycine residue is highly conserved and there is a large physicochemical difference between glycine and cysteine. This variant has not been reported in the literature in individuals with ACADSB-related conditions. ClinVar contains an entry for this variant (Variation ID: 299074). Algorithms developed to predict the effect of missense changes on protein structure and function (SIFT, PolyPhen-2, Align-GVGD) all suggest that this variant is likely to be disruptive, but these predictions have not been confirmed by published functional studies and their clinical significance is uncertain. In summary, the available evidence is currently insufficient to determine the role of this variant in disease. Therefore, it has been classified as a Variant of Uncertain Significance.

Illumina Laboratory Services, Illumina
Classification: Uncertain significance for Deficiency of 2-methylbutyryl-CoA dehydrogenase. Last evaluated: 2018-01-13. Review status: criteria provided, single submitter. Criteria: ICSL Variant Classification Criteria 13 December 2019. Collection method: clinical testing. Allele origin: germline.